The following is an entry in ClinVar:

NM_000098.3(CPT2):c.135C>G (p.Tyr45Ter)

Genes: CPT2 (carnitine palmitoyltransferase 2; plus strand), LOC129930561 (ATAC-STARR-seq lymphoblastoid silent region 902; plus strand). Cytogenetic location: 1p32.3.
Variant type: single nucleotide variant.
Coding change: c.135C>G on transcript NM_000098.3 (MANE Select); coding-DNA position 135, C replaced by G.
Protein change: p.Tyr45Ter; replaces tyrosine 45 with a stop codon.
Molecular consequence: nonsense.
Genome position (GRCh38, 1-based): chr1:53,197,078, C>G. VCF-style: chr1-53197078-C-G. GRCh37 (hg19) VCF-style: chr1-53662750-C-G.
Other names: c.135C>G, p.Tyr45Ter (NM_001330589.2); short protein forms Y45*.
Identifiers: ClinVar variation 1367294 (VCV001367294.6), dbSNP rs1645327989, ClinGen allele CA340388819.

ClinVar aggregate classification (germline): Pathogenic (1 of 4 stars; one submission).

Conditions:
Carnitine palmitoyltransferase II deficiency. Also called: Carnitine Palmitoyltransferase 2 Deficiency. Identifiers: Orphanet 157, MedGen C0342790, MONDO:0015515.

Submission:

Labcorp Genetics (formerly Invitae), Labcorp
Classification: Pathogenic for Carnitine palmitoyltransferase II deficiency. Last evaluated: 2021-07-16. Review status: criteria provided, single submitter. Criteria: Invitae Variant Classification Sherloc (09022015). Collection method: clinical testing. Allele origin: germline.
Comment: The frequency data for this variant in the population databases is considered unreliable, as metrics indicate insufficient coverage at this position in the ExAC database. For these reasons, this variant has been classified as Pathogenic. Algorithms developed to predict the effect of sequence changes on RNA splicing suggest that this variant may create or strengthen a splice site. This variant has not been reported in the literature in individuals affected with CPT2-related conditions. This sequence change creates a premature translational stop signal (p.Tyr45*) in the CPT2 gene. It is expected to result in an absent or disrupted protein product. Loss-of-function variants in CPT2 are known to be pathogenic (PMID: 16781677, 16996287).

Literature cited by the submitters: PubMed 16781677; PubMed 16996287.